The following is an entry in ClinVar:

ClinVar aggregate classification (germline): Likely benign. Review status: criteria provided, single submitter (1 of 4 stars). 2 submissions from 2 submitters: Likely benign (1). 1 of the submissions does not count toward it. Last evaluated 2026-01-19.

Conditions:
PSAP-related disorder. Also called: PSAP-related condition.
Sphingolipid activator protein 1 deficiency. Also called: METACHROMATIC LEUKODYSTROPHY DUE TO CEREBROSIDE SULFATASE ACTIVATOR DEFICIENCY; Metachromatic leukodystrophy due to saposin B deficiency; Saposin B Deficiency. Identifiers: Orphanet 512, MedGen C0268262, MONDO:0009590, OMIM 249900.

Allele frequency attached by ClinVar (database versions not stated): gnomAD 0.00001; gnomAD exomes 0.00001 and 0.00007; TOPMed 0.00002; ExAC 0.00007.
gnomAD v4.1: 18 of 1,613,892 alleles (0.0011%); highest among the groups gnomAD compares: Admixed American, 0.028%; no homozygotes.

Submissions (2):

Labcorp Genetics (formerly Invitae), Labcorp
Classification: Likely benign for Sphingolipid activator protein 1 deficiency. Last evaluated: 2026-01-19. Review status: criteria provided, single submitter. Criteria: Invitae Variant Classification Sherloc (09022015). Collection method: clinical testing. Allele origin: germline.

PreventionGenetics, part of Exact Sciences
Classification: Likely benign for PSAP-related condition. Last evaluated: 2019-09-26. Review status: no assertion criteria provided. Collection method: clinical testing. Allele origin: germline. Not counted in ClinVar's aggregate classification.
Comment: This variant is classified as likely benign based on ACMG/AMP sequence variant interpretation guidelines (Richards et al. 2015 PMID: 25741868, with internal and published modifications).

NM_002778.4(PSAP):c.186C>T (p.Pro62=)

Gene: PSAP (prosaposin; minus strand). Cytogenetic location: 10q22.1.
Variant type: single nucleotide variant.
Coding change: c.186C>T on transcript NM_002778.4 (MANE Select); coding-DNA position 186, C replaced by T.
Protein change: p.Pro62=; no amino-acid change (proline 62 retained).
Molecular consequence: synonymous variant.
Genome position (GRCh38, 1-based): chr10:71,831,909, G>A on the plus strand (C>T on the coding strand, the complement: PSAP is on the minus strand). VCF-style: chr10-71831909-G-A. GRCh37 (hg19) VCF-style: chr10-73591666-G-A.
Other names: c.186C>T, p.Pro62= (NM_001042465.3, NM_001042466.3).
Identifiers: ClinVar variation 746378 (VCV000746378.13), dbSNP rs749422368, ClinGen allele CA5547854.